The following is an entry in ClinVar:

NM_001384474.1(LOXHD1):c.5390A>G (p.Lys1797Arg)

Gene: LOXHD1 (lipoxygenase homology PLAT domains 1; minus strand). Cytogenetic location: 18q21.1.
Variant type: single nucleotide variant.
Coding change: c.5390A>G on transcript NM_001384474.1 (MANE Select); coding-DNA position 5390, A replaced by G.
Protein change: p.Lys1797Arg; replaces lysine 1797 with arginine.
Molecular consequence: missense variant.
Genome position (GRCh38, 1-based): chr18:46,518,138, T>C on the plus strand (A>G on the coding strand, the complement: LOXHD1 is on the minus strand). VCF-style: chr18-46518138-T-C. GRCh37 (hg19) VCF-style: chr18-44098101-T-C.
Other names: c.2057A>G, p.Lys686Arg (NM_001145472.3); c.107A>G, p.Lys36Arg (NM_001145473.3, NM_001173129.2); c.1769A>G, p.Lys590Arg (NM_001308013.2); c.5204A>G, p.Lys1735Arg (NM_144612.7); short protein forms K1735R, K36R, K590R, K686R, K1797R.
Identifiers: ClinVar variation 326835 (VCV000326835.31), dbSNP rs368286192, ClinGen allele CA8952207.

ClinVar aggregate classification (germline): Conflicting classifications of pathogenicity. Review status: criteria provided, conflicting classifications (1 of 4 stars). 8 submissions from 8 submitters: Likely pathogenic (1); Uncertain significance (6). 1 of the submissions does not count toward it. Last evaluated 2026-08-14.

Conditions:
Inborn genetic diseases. Identifiers: MedGen C0950123, MeSH D030342.
LOXHD1-related disorder. Also called: LOXHD1-related condition.
Autosomal recessive nonsyndromic hearing loss 77. Identifiers: Orphanet 90636, MedGen C2746083, MONDO:0013119, OMIM 613079.

Allele frequency attached by ClinVar (database versions not stated): ExAC 0.00005; gnomAD exomes 0.00009 and 0.00015; gnomAD 0.00013; TOPMed 0.00016; ESP Exome Variant Server 0.00044.
gnomAD v4.1: 225 of 1,551,472 alleles (0.015%); highest among the groups gnomAD compares: Non-Finnish European, 0.018%; no homozygotes.

Submissions (8):

PreventionGenetics, part of Exact Sciences
Classification: Uncertain significance for LOXHD1-related condition. Last evaluated: 2026-08-14. Review status: criteria provided, single submitter. Criteria: ACMG Guidelines, 2015. Collection method: clinical testing. Allele origin: germline.
Comment: The LOXHD1 c.5204A>G variant is predicted to result in the amino acid substitution p.Lys1735Arg. To our knowledge, this variant has not been reported in the literature. This variant is reported in 0.021% of alleles in individuals of European (Non-Finnish) descent in gnomAD. This variant is reported in ClinVar ranging from uncertain to likely pathogenic with one submitter indicating they have observed this variant in trans to a pathogenic variant in a patient with hearing loss (Variation ID: 326835). At this time, the clinical significance of this variant is uncertain due to the absence of conclusive functional and genetic evidence.

Labcorp Genetics (formerly Invitae), Labcorp
Classification: Likely pathogenic. Last evaluated: 2026-01-03. Review status: criteria provided, single submitter. Criteria: Invitae Variant Classification Sherloc (09022015). Collection method: clinical testing. Allele origin: germline.
Comment: This sequence change replaces lysine, which is basic and polar, with arginine, which is basic and polar, at codon 1735 of the LOXHD1 protein (p.Lys1735Arg). This variant is present in population databases (rs368286192, gnomAD 0.02%). This missense change has been observed in individual(s) with deafness (internal data). In at least one individual the data is consistent with being in trans (on the opposite chromosome) from a pathogenic variant. ClinVar contains an entry for this variant (Variation ID: 326835). An algorithm developed to predict the effect of missense changes on protein structure and function (PolyPhen-2) suggests that this variant is likely to be tolerated. In summary, the currently available evidence indicates that the variant is pathogenic, but additional data are needed to prove that conclusively. Therefore, this variant has been classified as Likely Pathogenic.

Ambry Genetics
Classification: Uncertain significance for Inborn genetic diseases. Last evaluated: 2025-02-12. Review status: criteria provided, single submitter. Criteria: Ambry Variant Classification Scheme 2023. Collection method: clinical testing. Allele origin: germline.

CeGaT Center for Human Genetics Tuebingen
Classification: Uncertain significance. Last evaluated: 2025-01-01. Review status: criteria provided, single submitter. Criteria: CeGaT Center For Human Genetics Tuebingen Variant Classification Criteria Version 2. Collection method: clinical testing. Allele origin: germline. Affected: yes. Observed: 1 variant allele.
Comment: LOXHD1: PM2:Supporting, BP4

GeneDx
Classification: Uncertain significance. Last evaluated: 2020-05-27. Review status: criteria provided, single submitter. Criteria: GeneDx Variant Classification Process June 2021. Collection method: clinical testing. Allele origin: germline. Affected: yes.
Comment: In silico analysis supports that this missense variant does not alter protein structure/function; Has not been previously published as pathogenic or benign to our knowledge

Laboratory for Molecular Medicine, Mass General Brigham Personalized Medicine
Classification: Uncertain significance. Last evaluated: 2019-02-12. Review status: criteria provided, single submitter. Criteria: LMM Criteria. Collection method: clinical testing. Allele origin: germline. Observed: 2 variant alleles.
Comment: It has also been reported in ClinVar (Variation ID 326835). Computational prediction tools and conservation analyses suggest that this variant may not impact the protein, though this information is not predictive enough to rule out pathogenicity. In summary, the clinical significance of the p.Lys1735Arg is uncertain. ACMG/AMP criteria applied: BP4, PM2_Supporting.

Illumina Laboratory Services, Illumina
Classification: Uncertain significance for Autosomal recessive nonsyndromic hearing loss 77. Last evaluated: 2018-01-12. Review status: criteria provided, single submitter. Criteria: ICSL Variant Classification Criteria 13 December 2019. Collection method: clinical testing. Allele origin: germline.

Natera, Inc.
Classification: Uncertain significance for Autosomal recessive deafness type 77. Last evaluated: 2020-01-24. Review status: no assertion criteria provided. Collection method: clinical testing. Allele origin: germline. Not counted in ClinVar's aggregate classification.